The following is an entry in ClinVar:

NC_000002.12:g.(?_144517278)_(144517419_?)del

Gene: ZEB2 (zinc finger E-box binding homeobox 2; minus strand). Cytogenetic location: 2q22.3.
Variant type: Deletion.
Identifiers: ClinVar variation 417344 (VCV000417344.1).

ClinVar aggregate classification (germline): Pathogenic (1 of 4 stars; one submission).

Conditions:
Mowat-Wilson syndrome (MOWS). Also called: Classic Mowat-Wilson Syndrome. Identifiers: Orphanet 2152, MedGen C1856113, MONDO:0009341, OMIM 235730.

Submission:

Labcorp Genetics (formerly Invitae), Labcorp
Classification: Pathogenic for Mowat-Wilson syndrome. Last evaluated: 2016-06-03. Review status: criteria provided, single submitter. Criteria: Invitae Variant Classification Sherloc (09022015). Collection method: clinical testing. Allele origin: germline.
Comment: This variant is a gross deletion of the genomic region encompassing exon 2 of the ZEB2 gene, which includes the initiator codon. The 5' end of this event is unknown as it extends beyond the assayed region for this gene and therefore may encompass additional genes. The 3' boundary is likely confined to intron 2 of the ZEB2 gene. This is expected to result in an absent or disrupted protein product. While this gross deletion has not been reported in the literature, loss-of-function variants in ZEB2 are known to be pathogenic (PMID: 16053902). For these reasons, this variant has been classified as Pathogenic.